The following is an entry in ClinVar:

ClinVar aggregate classification (germline): Likely benign (1 of 4 stars; one submission).

Allele frequency attached by ClinVar (database versions not stated): ExAC 0.00002; gnomAD 0.00002; gnomAD exomes 0.00002.
gnomAD v4.1: 37 of 1,613,862 alleles (0.0023%); highest among the groups gnomAD compares: Non-Finnish European, 0.003%; no homozygotes.

Submission:

CeGaT Center for Human Genetics Tuebingen
Classification: Likely benign. Last evaluated: 2024-07-01. Review status: criteria provided, single submitter. Criteria: CeGaT Center For Human Genetics Tuebingen Variant Classification Criteria Version 2. Collection method: clinical testing. Allele origin: germline. Affected: yes. Observed: 2 variant alleles.
Comment: DHX30: BP4

NM_138615.3(DHX30):c.1292C>T (p.Ala431Val)

Gene: DHX30 (DExH-box helicase 30; plus strand). Cytogenetic location: 3p21.31.
Variant type: single nucleotide variant.
Coding change: c.1292C>T on transcript NM_138615.3 (MANE Select); coding-DNA position 1292, C replaced by T.
Protein change: p.Ala431Val; replaces alanine 431 with valine.
Molecular consequence: missense variant.
Genome position (GRCh38, 1-based): chr3:47,846,364, C>T. VCF-style: chr3-47846364-C-T. GRCh37 (hg19) VCF-style: chr3-47887854-C-T.
Other names: c.1208C>T, p.Ala403Val (NM_001330990.2); c.1175C>T, p.Ala392Val (NM_014966.4); short protein forms A392V, A403V, A431V.
Identifiers: ClinVar variation 2653773 (VCV002653773.24), dbSNP rs766899015, ClinGen allele CA2369891.